The following is an entry in ClinVar:

NM_020822.3(KCNT1):c.687G>A (p.Pro229=)

Gene: KCNT1 (potassium sodium-activated channel subfamily T member 1; plus strand). Cytogenetic location: 9q34.3.
Variant type: single nucleotide variant.
Coding change: c.687G>A on transcript NM_020822.3 (MANE Select); coding-DNA position 687, G replaced by A.
Protein change: p.Pro229=; no amino-acid change (proline 229 retained).
Molecular consequence: synonymous variant.
Genome position (GRCh38, 1-based): chr9:135,757,309, G>A. VCF-style: chr9-135757309-G-A. GRCh37 (hg19) VCF-style: chr9-138649155-G-A.
Other names: c.543G>A, p.Pro181= (NM_001272003.2).
Identifiers: ClinVar variation 1141506 (VCV001141506.31), dbSNP rs748796809, ClinGen allele CA5326599.
Genomic context (GRCh38, chr9:135,757,309, plus strand): 5'-CCAGGAGTGCGGGCCCTGGAGCCCCAGCCCTGACCTGTCCCCTTCACAGATCTTCTGGCC[G>A]CCGCTGCGGAACCTGTTCATCCCCGTCTTTCTGAACTGCTGGCTGGCCAAGCACGCGCTG-3'
Protein context (NP_065873.2, residues 219-239): TLPFIITIFW[Pro229=]PLRNLFIPVF

ClinVar aggregate classification (germline): Likely benign. Review status: criteria provided, multiple submitters, no conflicts (2 of 4 stars). 2 submissions from 2 submitters: Likely benign (2). Last evaluated 2023-12-01.

Conditions:
Developmental and epileptic encephalopathy, 14 (DEE14). Also called: Early infantile epileptic encephalopathy 14. Identifiers: Orphanet 293181, MedGen C3554195, MONDO:0013989, OMIM 614959.
Autosomal dominant nocturnal frontal lobe epilepsy 5. Also called: KCNT1-Related Epilepsy; Epilepsy, nocturnal frontal lobe, 5; CILIARY DYSKINESIA, PRIMARY, 28, WITHOUT SITUS INVERSUS; CILIARY DYSKINESIA, PRIMARY, 28, WITH SITUS INVERSUS. Identifiers: Orphanet 98784, MedGen C3554306, MONDO:0014002, OMIM 615005.

Allele frequency attached by ClinVar (database versions not stated): ExAC 0.00001; gnomAD 0.00001; gnomAD exomes 0.00001.
gnomAD v4.1: 13 of 1,612,192 alleles (0.00081%); highest among the groups gnomAD compares: South Asian, 0.0011%; no homozygotes.

Submissions (2):

CeGaT Center for Human Genetics Tuebingen
Classification: Likely benign. Last evaluated: 2023-12-01. Review status: criteria provided, single submitter. Criteria: CeGaT Center For Human Genetics Tuebingen Variant Classification Criteria Version 2. Collection method: clinical testing. Allele origin: germline. Affected: yes. Observed: 1 variant allele.
Comment: KCNT1: BP4, BP7

Labcorp Genetics (formerly Invitae), Labcorp
Classification: Likely benign for Autosomal dominant nocturnal frontal lobe epilepsy 5; Developmental and epileptic encephalopathy, 14. Last evaluated: 2022-11-08. Review status: criteria provided, single submitter. Criteria: Invitae Variant Classification Sherloc (09022015). Collection method: clinical testing. Allele origin: germline.